The following is an entry in ClinVar:

ClinVar aggregate classification (germline): Conflicting classifications of pathogenicity. Review status: criteria provided, conflicting classifications (1 of 4 stars). 3 submissions from 3 submitters: Uncertain significance (1); Benign (1). 1 of the submissions does not count toward it. Last evaluated 2025-10-30.

Conditions:
SULT2B1-related disorder. Also called: SULT2B1-related condition.
Inborn genetic diseases. Identifiers: MedGen C0950123, MeSH D030342.

Allele frequency attached by ClinVar (database versions not stated): ESP Exome Variant Server 0.00362; 1000 Genomes Project 0.00439; 1000 Genomes Project 30x 0.00484.

Submissions (3):

Ambry Genetics
Classification: Uncertain significance for Inborn genetic diseases. Last evaluated: 2025-10-30. Review status: criteria provided, single submitter. Criteria: Ambry Variant Classification Scheme 2023. Collection method: clinical testing. Allele origin: germline.

Labcorp Genetics (formerly Invitae), Labcorp
Classification: Benign. Last evaluated: 2025-10-27. Review status: criteria provided, single submitter. Criteria: Invitae Variant Classification Sherloc (09022015). Collection method: clinical testing. Allele origin: germline.

PreventionGenetics, part of Exact Sciences
Classification: Benign for SULT2B1-related condition. Last evaluated: 2019-03-01. Review status: no assertion criteria provided. Collection method: clinical testing. Allele origin: germline. Not counted in ClinVar's aggregate classification.
Comment: This variant is classified as benign based on ACMG/AMP sequence variant interpretation guidelines (Richards et al. 2015 PMID: 25741868, with internal and published modifications).

NM_177973.2(SULT2B1):c.904C>G (p.Arg302Gly)

Gene: SULT2B1 (sulfotransferase family 2B member 1; plus strand). Cytogenetic location: 19q13.33.
Variant type: single nucleotide variant.
Coding change: c.904C>G on transcript NM_177973.2 (MANE Select); coding-DNA position 904, C replaced by G.
Protein change: p.Arg302Gly; replaces arginine 302 with glycine.
Molecular consequence: missense variant.
Genome position (GRCh38, 1-based): chr19:48,599,212, C>G. VCF-style: chr19-48599212-C-G. GRCh37 (hg19) VCF-style: chr19-49102469-C-G.
Other names: c.859C>G, p.Arg287Gly (NM_004605.2); c.904C>G (NM_177973.1); short protein forms R287G, R302G.
Identifiers: ClinVar variation 2044103 (VCV002044103.7), dbSNP rs61748775, ClinGen allele CA9553265.